The following is an entry in ClinVar:

NM_000038.6(APC):c.-19+2325T>C

Gene: APC (APC regulator of WNT signaling pathway; plus strand). Cytogenetic location: 5q22.2.
Variant type: single nucleotide variant.
Coding change: c.-19+2325T>C on transcript NM_000038.6 (MANE Select); 2325 bases into the intron after 19 bases upstream of the start codon, T replaced by C.
Molecular consequence: intron variant.
Genome position (GRCh38, 1-based): chr5:112,740,250, T>C. VCF-style: chr5-112740250-T-C. GRCh37 (hg19) VCF-style: chr5-112075947-T-C.
Other names: c.-18-14623T>C (NM_001354895.2); c.166-26076T>C (NM_001354897.2, NM_001354902.2, NM_001127511.3); c.-19+1790T>C (NM_001127510.3); c.60+1790T>C (NM_001354898.2, NM_001354904.2); c.-1054+2325T>C (NM_001354906.2); c.-19+2325T>C (NM_001354896.2, NM_001354903.2, NM_001354899.2); c.-43+2325T>C (NM_001354900.2, NM_001354901.2, NM_001354905.2).
Identifiers: ClinVar variation 82754 (VCV000082754.2), dbSNP rs74627407, ClinGen allele CA006404.

ClinVar aggregate classification (germline): other (0 of 4 stars; one submission).

Conditions:
Familial colorectal cancer. Identifiers: MedGen CN280943, MONDO:0023113. Disease mechanism: loss of function.

Allele frequency attached by ClinVar (database versions not stated): gnomAD 0.04862 and 0.04970; TOPMed 0.05454; 1000 Genomes Project 30x 0.08198; 1000 Genomes Project 0.08446.
gnomAD v4.1: 7,543 of 152,236 alleles (5%); highest among the groups gnomAD compares: East Asian, 13%; 345 homozygotes.

Submission:

Systems Biology Platform Zhejiang California International NanoSystems Institute
Classification: other for Familial colorectal cancer. Review status: no assertion criteria provided. Collection method: not provided. Allele origin: unknown.
ClinVar note: Converted during submission from cancer to other.